The following is an entry in ClinVar:

ClinVar aggregate classification (germline): Uncertain significance (1 of 4 stars; one submission).

Conditions:
Hereditary cancer-predisposing syndrome. Also called: Neoplastic Syndromes, Hereditary; Tumor predisposition; Hereditary neoplastic syndrome; Hereditary Cancer Syndrome. Identifiers: Orphanet 140162, MedGen C0027672, MeSH D009386, MONDO:0015356.

Submission:

Ambry Genetics
Classification: Uncertain significance for Hereditary cancer-predisposing syndrome. Last evaluated: 2026-07-17. Review status: criteria provided, single submitter. Criteria: Ambry Variant Classification Scheme 2023. Collection method: clinical testing. Allele origin: germline.
Comment: The p.A129V variant (also known as c.386C>T), located in coding exon 5 of the POLE gene, results from a C to T substitution at nucleotide position 386. The alanine at codon 129 is replaced by valine, an amino acid with similar properties. This amino acid position is conserved. In addition, this alteration is predicted to be tolerated by in silico analysis. Based on the available evidence, the clinical significance of this variant remains unclear.

NM_006231.4(POLE):c.386C>T (p.Ala129Val)

Gene: POLE (DNA polymerase epsilon, catalytic subunit; minus strand). Cytogenetic location: 12q24.33.
Variant type: single nucleotide variant.
Coding change: c.386C>T on transcript NM_006231.4 (MANE Select); coding-DNA position 386, C replaced by T.
Protein change: p.Ala129Val; replaces alanine 129 with valine.
Molecular consequence: missense variant.
Genome position (GRCh38, 1-based): chr12:132,679,991, G>A on the plus strand (C>T on the coding strand, the complement: POLE is on the minus strand). VCF-style: chr12-132679991-G-A. GRCh37 (hg19) VCF-style: chr12-133256577-G-A.
Other names: short protein forms A129V.
Identifiers: ClinVar variation 5027084 (VCV005027084.1).